The following is an entry in ClinVar:

ClinVar aggregate classification (germline): Uncertain significance (1 of 4 stars; one submission).

Conditions:
Catecholaminergic polymorphic ventricular tachycardia 1. Also called: VENTRICULAR TACHYCARDIA, STRESS-INDUCED POLYMORPHIC 1; RYR2-Related Catecholaminergic Polymorphic Ventricular Tachycardia; VENTRICULAR TACHYCARDIA, CATECHOLAMINERGIC POLYMORPHIC, 1, WITH OR WITHOUT ATRIAL DYSFUNCTION AND/OR DILATED CARDIOMYOPATHY. Identifiers: Orphanet 3286, MedGen C1631597, MONDO:0011484, OMIM 604772.

Submission:

Labcorp Genetics (formerly Invitae), Labcorp
Classification: Uncertain significance for Catecholaminergic polymorphic ventricular tachycardia 1. Last evaluated: 2026-01-12. Review status: criteria provided, single submitter. Criteria: Invitae Variant Classification Sherloc (09022015). Collection method: clinical testing. Allele origin: germline.
Comment: This sequence change replaces lysine, which is basic and polar, with glutamic acid, which is acidic and polar, at codon 4881 of the RYR2 protein (p.Lys4881Glu). This variant is not present in population databases (gnomAD no frequency). This variant has not been reported in the literature in individuals affected with RYR2-related conditions. Invitae Evidence Modeling of protein sequence and biophysical properties (such as structural, functional, and spatial information, amino acid conservation, physicochemical variation, residue mobility, and thermodynamic stability) indicates that this missense variant is expected to disrupt RYR2 protein function with a positive predictive value of 80%. In summary, the available evidence is currently insufficient to determine the role of this variant in disease. Therefore, it has been classified as a Variant of Uncertain Significance.

NM_001035.3(RYR2):c.14641A>G (p.Lys4881Glu)

Gene: RYR2 (ryanodine receptor 2; plus strand). Cytogenetic location: 1q43.
Variant type: single nucleotide variant.
Coding change: c.14641A>G on transcript NM_001035.3 (MANE Select); coding-DNA position 14641, A replaced by G.
Protein change: p.Lys4881Glu; replaces lysine 4881 with glutamic acid.
Molecular consequence: missense variant.
Genome position (GRCh38, 1-based): chr1:237,828,431, A>G. VCF-style: chr1-237828431-A-G. GRCh37 (hg19) VCF-style: chr1-237991731-A-G.
Other names: short protein forms K4881E.
Identifiers: ClinVar variation 4800131 (VCV004800131.1).
Genomic context (GRCh38, chr1:237,828,431, plus strand): 5'-TTAACACCAGGTCTAATTATTGATGCTTTTGGAGAACTAAGAGACCAACAGGAACAAGTC[A>G]AAGAAGACATGGAGGTAAGCTTCTCCATTCATGACTCAGCTTCTTTGTTGTCCTGGGCCC-3'
Protein context (NP_001026.2, residues 4871-4891): GELRDQQEQV[Lys4881Glu]EDMETKCFIC